The following is an entry in ClinVar:

NM_017565.4(FAM20A):c.1109+6T>G

Genes: FAM20A (FAM20A golgi associated secretory pathway pseudokinase; minus strand), PRKAR1A (protein kinase cAMP-dependent type I regulatory subunit alpha; plus strand). Cytogenetic location: 17q24.2.
Variant type: single nucleotide variant.
Coding change: c.1109+6T>G on transcript NM_017565.4 (MANE Select); 6 bases into the intron after coding-DNA position 1109, T replaced by G.
Molecular consequence: intron variant.
Genome position (GRCh38, 1-based): chr17:68,541,979, A>C on the plus strand (T>G on the coding strand, the complement: FAM20A is on the minus strand). VCF-style: chr17-68541979-A-C. GRCh37 (hg19) VCF-style: chr17-66538120-A-C.
Other names: c.974-9105A>C (NM_001276290.1); c.695+6T>G (NM_001243746.2).
Identifiers: ClinVar variation 2634747 (VCV002634747.1), dbSNP rs370397996, ClinGen allele CA293305593.

ClinVar aggregate classification (germline): Uncertain significance (1 of 4 stars; one submission).

Conditions:
FAM20A-related disorder. Also called: FAM20A-related condition.

gnomAD v4.1: 8 of 1,612,274 alleles (0.0005%); highest among the groups gnomAD compares: Admixed American, 0.0067%; no homozygotes.

Submission:

PreventionGenetics, part of Exact Sciences
Classification: Uncertain significance for FAM20A-related condition. Last evaluated: 2022-11-18. Review status: criteria provided, single submitter. Criteria: ACMG Guidelines, 2015. Collection method: clinical testing. Allele origin: germline.
Comment: The FAM20A c.1109+6T>G variant is predicted to interfere with splicing. This variant is predicted to alter splicing based on available splicing prediction programs (Alamut Visual Plus v1.6.1). However, the use of computer prediction programs is not equivalent to functional evidence. To our knowledge, this variant has not been reported in the literature. This variant is reported in 0.0029% of alleles in individuals of Latino descent in gnomAD. A nearby intronic variant, c.1109+3_1109+7delinsTGGTC, was reported in the homozygous state in a family with hypoplastic amelogenesis imperfecta (Kim et al. 2019. PubMed ID: 30120606). At this time, the clinical significance of this variant is uncertain due to the absence of conclusive functional and genetic evidence.